The following is an entry in ClinVar:

NM_005228.5(EGFR):c.2920G>A (p.Asp974Asn)

Gene: EGFR (epidermal growth factor receptor; plus strand). Cytogenetic location: 7p11.2.
Variant type: single nucleotide variant.
Coding change: c.2920G>A on transcript NM_005228.5 (MANE Select); coding-DNA position 2920, G replaced by A.
Protein change: p.Asp974Asn; replaces aspartic acid 974 with asparagine.
Molecular consequence: missense variant.
Genome position (GRCh38, 1-based): chr7:55,200,387, G>A. VCF-style: chr7-55200387-G-A. GRCh37 (hg19) VCF-style: chr7-55268080-G-A.
Other names: c.2785G>A, p.Asp929Asn (NM_001346897.2, NM_001346899.2); c.2920G>A, p.Asp974Asn (NM_001346898.2); c.2761G>A, p.Asp921Asn (NM_001346900.2); c.2119G>A, p.Asp707Asn (NM_001346941.2); short protein forms D707N, D974N, D921N, D929N.
Identifiers: ClinVar variation 1895718 (VCV001895718.6), dbSNP rs1486130926, ClinGen allele CA367581975.

ClinVar aggregate classification (germline): Uncertain significance. Review status: criteria provided, multiple submitters, no conflicts (2 of 4 stars). 2 submissions from 2 submitters: Uncertain significance (2). Last evaluated 2025-11-22.

Conditions:
Hereditary cancer-predisposing syndrome. Also called: Neoplastic Syndromes, Hereditary; Hereditary neoplastic syndrome; Hereditary Cancer Syndrome; Tumor predisposition. Identifiers: Orphanet 140162, MedGen C0027672, MeSH D009386, MONDO:0015356.
EGFR-related lung cancer (EGFR). Identifiers: MedGen CN130014.

Allele frequency attached by ClinVar (database versions not stated): gnomAD exomes below 0.00001; gnomAD 0.00001.
gnomAD v4.1: 3 of 1,614,000 alleles (0.00019%); highest among the groups gnomAD compares: Non-Finnish European, 0.00025%; no homozygotes.

Submissions (2):

Labcorp Genetics (formerly Invitae), Labcorp
Classification: Uncertain significance for EGFR-related lung cancer. Last evaluated: 2025-11-22. Review status: criteria provided, single submitter. Criteria: Invitae Variant Classification Sherloc (09022015). Collection method: clinical testing. Allele origin: germline.
Comment: This sequence change replaces aspartic acid, which is acidic and polar, with asparagine, which is neutral and polar, at codon 974 of the EGFR protein (p.Asp974Asn). This variant is present in population databases (no rsID available, gnomAD 0.007%). This variant has not been reported in the literature in individuals affected with EGFR-related conditions. ClinVar contains an entry for this variant (Variation ID: 1895718). Invitae Evidence Modeling of protein sequence and biophysical properties (such as structural, functional, and spatial information, amino acid conservation, physicochemical variation, residue mobility, and thermodynamic stability) indicates that this missense variant is expected to disrupt EGFR protein function with a positive predictive value of 80%. In summary, the available evidence is currently insufficient to determine the role of this variant in disease. Therefore, it has been classified as a Variant of Uncertain Significance.

Ambry Genetics
Classification: Uncertain significance for Hereditary cancer-predisposing syndrome. Last evaluated: 2025-07-03. Review status: criteria provided, single submitter. Criteria: Ambry Variant Classification Scheme 2023. Collection method: clinical testing. Allele origin: germline.
Comment: The p.D974N variant (also known as c.2920G>A), located in coding exon 24 of the EGFR gene, results from a G to A substitution at nucleotide position 2920. The aspartic acid at codon 974 is replaced by asparagine, an amino acid with highly similar properties. This amino acid position is conserved. In addition, this alteration is predicted to be tolerated by in silico analysis. Based on the available evidence, the clinical significance of this variant remains unclear.